The following is an entry in ClinVar:

ClinVar aggregate classification (germline): Uncertain significance (1 of 4 stars; one submission).

Conditions:
DICER1-related tumor predisposition. Also called: DICER1-related pleuropulmonary blastoma cancer predisposition syndrome; DICER1 syndrome. Identifiers: Orphanet 284343, MedGen C3839822, MONDO:0100216.

Submission:

Labcorp Genetics (formerly Invitae), Labcorp
Classification: Uncertain significance for DICER1-related tumor predisposition. Last evaluated: 2025-04-10. Review status: criteria provided, single submitter. Criteria: Invitae Variant Classification Sherloc (09022015). Collection method: clinical testing. Allele origin: germline.
Comment: This sequence change replaces leucine, which is neutral and non-polar, with isoleucine, which is neutral and non-polar, at codon 1684 of the DICER1 protein (p.Leu1684Ile). This variant is not present in population databases (gnomAD no frequency). This variant has not been reported in the literature in individuals affected with DICER1-related conditions. Invitae Evidence Modeling of protein sequence and biophysical properties (such as structural, functional, and spatial information, amino acid conservation, physicochemical variation, residue mobility, and thermodynamic stability) has been performed for this missense variant. However, the output from this modeling did not meet the statistical confidence thresholds required to predict the impact of this variant on DICER1 protein function. In summary, the available evidence is currently insufficient to determine the role of this variant in disease. Therefore, it has been classified as a Variant of Uncertain Significance.

NM_177438.3(DICER1):c.5050C>A (p.Leu1684Ile)

Gene: DICER1 (dicer 1, ribonuclease III; minus strand). Cytogenetic location: 14q32.13.
Variant type: single nucleotide variant.
Coding change: c.5050C>A on transcript NM_177438.3 (MANE Select); coding-DNA position 5050, C replaced by A.
Protein change: p.Leu1684Ile; replaces leucine 1684 with isoleucine.
Molecular consequence: missense variant. On other transcripts: non-coding transcript variant (6).
Genome position (GRCh38, 1-based): chr14:95,095,870, G>T on the plus strand (C>A on the coding strand, the complement: DICER1 is on the minus strand). VCF-style: chr14-95095870-G-T. GRCh37 (hg19) VCF-style: chr14-95562207-G-T.
Other names: c.5050C>A, p.Leu1684Ile (NM_001395693.1, NM_001395694.1, NM_001395695.1 and 12 more transcripts); c.4645C>A, p.Leu1549Ile (NM_001395696.1, NM_001395687.1, NM_001395688.1 and 2 more transcripts); c.3367C>A, p.Leu1123Ile (NM_001395697.1); c.4768C>A, p.Leu1590Ile (NM_001395686.1); c.4483C>A, p.Leu1495Ile (NM_001395691.1); short protein forms L1123I, L1549I, L1684I, L1590I, L1495I.
Identifiers: ClinVar variation 4746792 (VCV004746792.1).
Genomic context (GRCh38, chr14:95,095,870, plus strand): 5'-TCGTGGGCTCCTTACCAGTGATAGTATTGTAGTGGTAGGAGGCATGTGTAAAAGCCTGGA[G>T]AAGGTAAGCCTTATTCTTGAATCTGTAGTTGATTTTCTTTTCAAAATTTTCAAACCCCGA-3'
Protein context (NP_803187.1, residues 1674-1694): NYRFKNKAYL[Leu1684Ile]QAFTHASYHY